The following is an entry in ClinVar:

ClinVar aggregate classification (germline): Uncertain significance. Review status: criteria provided, multiple submitters, no conflicts (2 of 4 stars). 4 submissions from 4 submitters: Uncertain significance (4). Last evaluated 2025-02-05.

Conditions:
Cardiofaciocutaneous syndrome 1 (CFC1). Also called: BRAF-Related Cardiofaciocutaneous Syndrome. Identifiers: Orphanet 1340, MedGen CN029449, MONDO:0007265, OMIM 115150. Disease mechanism: gain of function.
RASopathy. Also called: rasopathies; Noonan spectrum disorder. Identifiers: Orphanet 536391, MedGen C5555857, MONDO:0021060.

Allele frequency attached by ClinVar (database versions not stated): gnomAD 0.00001.

Submissions (4):

Labcorp Genetics (formerly Invitae), Labcorp
Classification: Uncertain significance for RASopathy. Last evaluated: 2025-02-05. Review status: criteria provided, single submitter. Criteria: Invitae Variant Classification Sherloc (09022015). Collection method: clinical testing. Allele origin: germline.
Comment: This sequence change replaces glutamic acid, which is acidic and polar, with aspartic acid, which is acidic and polar, at codon 13 of the BRAF protein (p.Glu13Asp). This variant is not present in population databases (gnomAD no frequency). This variant has not been reported in the literature in individuals affected with BRAF-related conditions. ClinVar contains an entry for this variant (Variation ID: 571464). Invitae Evidence Modeling incorporating data from in vitro experimental studies (internal data) indicates that this missense variant is not expected to disrupt BRAF function with a negative predictive value of 95%. In summary, the available evidence is currently insufficient to determine the role of this variant in disease. Therefore, it has been classified as a Variant of Uncertain Significance.

Genomic Medicine Center of Excellence, King Faisal Specialist Hospital and Research Centre
Classification: Uncertain significance for Cardiofaciocutaneous syndrome 1. Last evaluated: 2024-04-04. Review status: criteria provided, single submitter. Criteria: ACMG Guidelines, 2015. Collection method: clinical testing. Allele origin: germline.

Blueprint Genetics
Classification: Uncertain significance. Last evaluated: 2020-10-06. Review status: criteria provided, single submitter. Criteria: ACMG Guidelines, 2015. Collection method: clinical testing. Allele origin: germline.

Women's Health and Genetics/Laboratory Corporation of America, LabCorp
Classification: Uncertain significance. Last evaluated: 2020-01-30. Review status: criteria provided, single submitter. Criteria: LabCorp Variant Classification Summary - May 2015. Collection method: clinical testing. Allele origin: germline.
Comment: Variant summary: BRAF c.39G>C (p.Glu13Asp) results in a conservative amino acid change in the encoded protein sequence. Five of five in-silico tools predict a benign effect of the variant on protein function. The variant was absent in 107028 control chromosomes (gnomAD). The available data on variant occurrences in the general population are insufficient to allow any conclusion about variant significance. To our knowledge, no occurrence of c.39G>C in individuals affected with Noonan Syndrome and Related Conditions and no experimental evidence demonstrating its impact on protein function have been reported. A ClinVar submitter (evaluation after 2014) cites the variant as uncertain significance. Based on the evidence outlined above, the variant was classified as uncertain significance.

NM_004333.6(BRAF):c.39G>C (p.Glu13Asp)

Gene: BRAF (B-Raf proto-oncogene, serine/threonine kinase; minus strand). Cytogenetic location: 7q34.
Variant type: single nucleotide variant.
Coding change: c.39G>C on transcript NM_004333.6 (MANE Select); coding-DNA position 39, G replaced by C.
Protein change: p.Glu13Asp; replaces glutamic acid 13 with aspartic acid.
Molecular consequence: missense variant.
Genome position (GRCh38, 1-based): chr7:140,924,665, C>G on the plus strand (G>C on the coding strand, the complement: BRAF is on the minus strand). VCF-style: chr7-140924665-C-G. GRCh37 (hg19) VCF-style: chr7-140624465-C-G.
Other names: c.39G>C, p.Glu13Asp (NM_001354609.2, NM_001374244.1, NM_001374258.1 and 7 more transcripts); short protein forms E13D.
Identifiers: ClinVar variation 571464 (VCV000571464.12), dbSNP rs868441785, ClinGen allele CA168218650.
Genomic context (GRCh38, chr7:140,924,665, plus strand): 5'-GGCGCCGGCGCCGGCGCCGGCCTCGGGCTCCATGTCCCCGTTGAACAGAGCCTGGCCCGG[C>G]TCCGCGCCGCCACCACCGCCACCGCTCAGCGCCGCCATCTTATAACCGAGAGCCGGGGCC-3'
Protein context (NP_004324.2, residues 3-23): ALSGGGGGGA[Glu13Asp]PGQALFNGDM